The following is an entry in ClinVar:

NM_007046.4(EMILIN1):c.1145G>A (p.Arg382Gln)

Gene: EMILIN1 (elastin microfibril interfacer 1; plus strand). Cytogenetic location: 2p23.3.
Variant type: single nucleotide variant.
Coding change: c.1145G>A on transcript NM_007046.4 (MANE Select); coding-DNA position 1145, G replaced by A.
Protein change: p.Arg382Gln; replaces arginine 382 with glutamine.
Molecular consequence: missense variant.
Genome position (GRCh38, 1-based): chr2:27,082,716, G>A. VCF-style: chr2-27082716-G-A. GRCh37 (hg19) VCF-style: chr2-27305584-G-A.
Other names: short protein forms R382Q.
Identifiers: ClinVar variation 3052159 (VCV003052159.3), dbSNP rs200873278, ClinGen allele CA1568641.

ClinVar aggregate classification (germline): Uncertain significance. Review status: criteria provided, single submitter (1 of 4 stars). 2 submissions from 2 submitters: Uncertain significance (1). 1 of the submissions does not count toward it. Last evaluated 2025-05-04.

Conditions:
Inborn genetic diseases. Identifiers: MedGen C0950123, MeSH D030342.
EMILIN1-related disorder. Also called: EMILIN1-related condition.

Allele frequency attached by ClinVar (database versions not stated): 1000 Genomes Project 30x 0.00047; ExAC 0.00142; 1000 Genomes Project 0.00060.

Submissions (2):

Ambry Genetics
Classification: Uncertain significance for Inborn genetic diseases. Last evaluated: 2025-05-04. Review status: criteria provided, single submitter. Criteria: Ambry Variant Classification Scheme 2023. Collection method: clinical testing. Allele origin: germline.

PreventionGenetics, part of Exact Sciences
Classification: Benign for EMILIN1-related condition. Last evaluated: 2020-01-13. Review status: no assertion criteria provided. Collection method: clinical testing. Allele origin: germline. Not counted in ClinVar's aggregate classification.
Comment: This variant is classified as benign based on ACMG/AMP sequence variant interpretation guidelines (Richards et al. 2015 PMID: 25741868, with internal and published modifications).